The following is an entry in ClinVar:

NM_001267550.2(TTN):c.41432del (p.Val13811fs)

Gene: TTN (titin; minus strand). Cytogenetic location: 2q31.2.
Variant type: Deletion.
Coding change: c.41432del on transcript NM_001267550.2 (MANE Select); coding-DNA position 41432, one base deleted (T; older notation c.41432delT).
Protein change: p.Val13811fs; shifts the reading frame from valine 13811.
Molecular consequence: frameshift variant.
Genome position (GRCh38, 1-based): chr2:178,636,139, A deleted on the plus strand (T on the coding strand, the reverse complement: TTN is on the minus strand). VCF-style (leftmost placement, unchanged base first): chr2-178636138-GA-G. GRCh37 (hg19) VCF-style: chr2-179500865-GA-G.
Other names: c.36509del, p.Val12170fs (NM_001256850.1); c.14237del, p.Val4746fs (NM_003319.4); c.33728del, p.Val11243fs (NM_133378.4); c.14612del, p.Val4871fs (NM_133432.3); c.14813del, p.Val4938fs (NM_133437.4); c.14237delT (NM_003319.4); short protein forms V11243fs, V12170fs, V13811fs, V4746fs, V4871fs, V4938fs.
Identifiers: ClinVar variation 1013829 (VCV001013829.11), dbSNP rs2060408539, ClinGen allele CA1310558206.

ClinVar aggregate classification (germline): Likely pathogenic. Review status: criteria provided, multiple submitters, no conflicts (2 of 4 stars). 2 submissions from 2 submitters: Likely pathogenic (2). Last evaluated 2024-06-30.

Conditions:
Cardiovascular phenotype. Identifiers: MedGen CN230736.
Dilated cardiomyopathy 1G (CMD1G). Identifiers: Orphanet 154, MedGen C1858763, MONDO:0011400, OMIM 604145.
Autosomal recessive limb-girdle muscular dystrophy type 2J (LGMDR10). Also called: Limb-girdle muscular dystrophy, type 2J; MUSCULAR DYSTROPHY, LIMB-GIRDLE, AUTOSOMAL RECESSIVE 10. Identifiers: Orphanet 140922, MedGen C1837342, MONDO:0012127, OMIM 608807.

Submissions (2):

Labcorp Genetics (formerly Invitae), Labcorp
Classification: Likely pathogenic for Dilated cardiomyopathy 1G; Autosomal recessive limb-girdle muscular dystrophy type 2J. Last evaluated: 2024-06-30. Review status: criteria provided, single submitter. Criteria: Invitae Variant Classification Sherloc (09022015). Collection method: clinical testing. Allele origin: germline.
Comment: This sequence change creates a premature translational stop signal (p.Val13811Alafs*23) in the TTN gene. While this is not anticipated to result in nonsense mediated decay, it is expected to create a truncated TTN protein. This variant is not present in population databases (gnomAD no frequency). This variant has not been reported in the literature in individuals affected with TTN-related conditions. ClinVar contains an entry for this variant (Variation ID: 1013829). This variant is located in the I band of TTN (PMID: 25589632). Truncating variants in this region have been reported in individuals affected with autosomal recessive centronuclear myopathy (PMID: 23975875, Invitae internal data). Truncating variants in this region have also been identified in individuals affected with autosomal dominant dilated cardiomyopathy and/or cardio-related conditions (PMID: 27869827, 32964742, Invitae internal data). In summary, the currently available evidence indicates that the variant is pathogenic, but additional data are needed to prove that conclusively. Therefore, this variant has been classified as Likely Pathogenic.

Ambry Genetics
Classification: Likely pathogenic for Cardiovascular phenotype. Last evaluated: 2019-08-13. Review status: criteria provided, single submitter. Criteria: Ambry Variant Classification Scheme 2023. Collection method: clinical testing. Allele origin: germline.
Comment: The c.14237delT variant, located in coding exon 53 of the TTN gene, results from a deletion of one nucleotide at nucleotide position 14237, causing a translational frameshift with a predicted alternate stop codon (p.V4746Afs*23).This exon is located in the I-band region of the N2-B isoform of the titin protein and is constitutively expressed in TTN transcripts (percent spliced in or PSI 100%). While truncating variants in TTN are present in 1-3% of the general population, truncating variants in the A-band are the most common cause of dilated cardiomyopathy (DCM) (Herman DS et al. N. Engl. J. Med. 2012 Feb;366:619-28; Roberts AM et al. Sci Transl Med. 2015 Jan;7:270ra6). TTN truncating variants encoded in constitutive exons (PSI >90%) have been found to be significantly associated with DCM regardless of their position in titin (Schafer S et al. Nat. Genet. 2017 Jan;49:46-53). This alteration is expected to result in loss of function by premature protein truncation or nonsense-mediated mRNA decay. As such, this alteration is classified as likely pathogenic.

Literature cited by the submitters: PubMed 25589632 (cited by Labcorp Genetics (formerly Invitae), Labcorp); PubMed 23975875 (cited by Labcorp Genetics (formerly Invitae), Labcorp); PubMed 27869827 (cited by Labcorp Genetics (formerly Invitae), Labcorp); PubMed 32964742 (cited by Labcorp Genetics (formerly Invitae), Labcorp).